The following is an entry in ClinVar:

NM_006206.6(PDGFRA):c.2137G>A (p.Ala713Thr)

Gene: PDGFRA (platelet derived growth factor receptor alpha; plus strand). Cytogenetic location: 4q12.
Variant type: single nucleotide variant.
Coding change: c.2137G>A on transcript NM_006206.6 (MANE Select); coding-DNA position 2137, G replaced by A.
Protein change: p.Ala713Thr; replaces alanine 713 with threonine.
Molecular consequence: missense variant.
Genome position (GRCh38, 1-based): chr4:54,278,496, G>A. VCF-style: chr4-54278496-G-A. GRCh37 (hg19) VCF-style: chr4-55144663-G-A.
Other names: c.2137G>A, p.Ala713Thr (NM_001347827.2, NM_001347829.2); c.2212G>A, p.Ala738Thr (NM_001347828.2); c.2176G>A, p.Ala726Thr (NM_001347830.2); short protein forms A726T, A738T, A713T.
Identifiers: ClinVar variation 659913 (VCV000659913.10), dbSNP rs1191626640, ClinGen allele CA356894129.

ClinVar aggregate classification (germline): Uncertain significance. Review status: criteria provided, multiple submitters, no conflicts (2 of 4 stars). 2 submissions from 2 submitters: Uncertain significance (2). Last evaluated 2025-07-30.

Conditions:
Gastrointestinal stromal tumor. Also called: Gastrointestinal stromal tumor, somatic; Gastrointestinal stroma tumor. Identifiers: Orphanet 44890, MedGen C0238198, MeSH D046152, MONDO:0011719, OMIM 606764, HP:0100723.
Hereditary cancer-predisposing syndrome. Also called: Neoplastic Syndromes, Hereditary; Tumor predisposition; Hereditary Cancer Syndrome; Hereditary neoplastic syndrome. Identifiers: Orphanet 140162, MedGen C0027672, MeSH D009386, MONDO:0015356.

Allele frequency attached by ClinVar (database versions not stated): gnomAD exomes below 0.00001.
gnomAD v4.1: 4 of 1,614,072 alleles (0.00025%); highest among the groups gnomAD compares: South Asian, 0.0011%; no homozygotes.

Submissions (2):

Labcorp Genetics (formerly Invitae), Labcorp
Classification: Uncertain significance for Gastrointestinal stromal tumor. Last evaluated: 2025-07-30. Review status: criteria provided, single submitter. Criteria: Invitae Variant Classification Sherloc (09022015). Collection method: clinical testing. Allele origin: germline.
Comment: This sequence change replaces alanine, which is neutral and non-polar, with threonine, which is neutral and polar, at codon 713 of the PDGFRA protein (p.Ala713Thr). This variant is present in population databases (no rsID available, gnomAD 0.003%). This variant has not been reported in the literature in individuals affected with PDGFRA-related conditions. ClinVar contains an entry for this variant (Variation ID: 659913). Invitae Evidence Modeling of protein sequence and biophysical properties (such as structural, functional, and spatial information, amino acid conservation, physicochemical variation, residue mobility, and thermodynamic stability) indicates that this missense variant is not expected to disrupt PDGFRA protein function with a negative predictive value of 80%. In summary, the available evidence is currently insufficient to determine the role of this variant in disease. Therefore, it has been classified as a Variant of Uncertain Significance.

Ambry Genetics
Classification: Uncertain significance for Hereditary cancer-predisposing syndrome. Last evaluated: 2024-04-17. Review status: criteria provided, single submitter. Criteria: Ambry Variant Classification Scheme 2023. Collection method: clinical testing. Allele origin: germline.
Comment: The p.A713T variant (also known as c.2137G>A), located in coding exon 14 of the PDGFRA gene, results from a G to A substitution at nucleotide position 2137. The alanine at codon 713 is replaced by threonine, an amino acid with similar properties. This amino acid position is conserved. In addition, this alteration is predicted to be tolerated by in silico analysis. Since supporting evidence is limited at this time, the clinical significance of this alteration remains unclear.